The following is an entry in ClinVar:

NM_001323289.2(CDKL5):c.513C>A (p.Tyr171Ter)

Gene: CDKL5 (cyclin dependent kinase like 5; plus strand). Cytogenetic location: Xp22.13.
Variant type: single nucleotide variant.
Coding change: c.513C>A on transcript NM_001323289.2 (MANE Select); coding-DNA position 513, C replaced by A.
Protein change: p.Tyr171Ter; replaces tyrosine 171 with a stop codon.
Molecular consequence: nonsense.
Genome position (GRCh38, 1-based): chrX:18,584,312, C>A. VCF-style: chrX-18584312-C-A. GRCh37 (hg19) VCF-style: chrX-18602432-C-A.
Other names: p.Y171*:TAC>TAA; NM_001323289.2(CDKL5):c.513C>A; c.513C>A, p.Tyr171Ter (NM_001037343.2, NM_003159.3); short protein forms Y171*.
Identifiers: ClinVar variation 143822 (VCV000143822.15), dbSNP rs267608490, ClinGen allele CA171644.

ClinVar aggregate classification (germline): Pathogenic. Review status: reviewed by expert panel (3 of 4 stars). 6 submissions from 6 submitters: Pathogenic (1). 5 of the submissions do not count toward it. Last evaluated 2021-03-09.

Conditions:
CDKL5 disorder. Identifiers: MedGen CN296942, MONDO:0100039.
Developmental and epileptic encephalopathy, 2 (DEE2). Also called: INFANTILE SPASM SYNDROME, X-LINKED 2; CDKL5 deficiency disorder. Identifiers: Orphanet 1934, Orphanet 3451, Orphanet 505652, MedGen C4750718, MONDO:0010396, OMIM 300672.
Angelman syndrome-like. Identifiers: MedGen CN128785.

Submissions (7):

ClinGen Rett and Angelman-like Disorders Variant Curation Expert Panel
Classification: Pathogenic for CDKL5 disorder. Last evaluated: 2021-03-09. Review status: reviewed by expert panel. Criteria: ClinGen RettAS ACMG Specifications V1. Collection method: curation. Allele origin: germline. Inheritance: X-linked inheritance.
Comment: The p.Tyr171* variant in CDKL5 is predicted to cause a premature stop codon that leads to a truncated or absent protein in a gene where loss-of-function is an established mechanism. There is significant evidence that loss of this region of the gene is pathogenic (PVS1). The p.Tyr171* variant in CDKL5 has been reported as a de novo occurrence (biological parentage unconfirmed) in an individual with CDKL5 disorder (PMID 23583054) (PM6. This variant has been observed in at least 1 other individual with CDKL5 disorder (ClinVar) (PS4_Supporting). This variant was absent from gnomAD (PM2_ Supporting). In summary, p.Tyr171* variant in CDKL5 is classified as Pathogenic for CDKL5 disorder based on the ACMG/AMP criteria (PVS1, PM6, PM2_Supporting, PS4_Supporting).

Centre for Population Genomics, CPG
Classification: Pathogenic for CDKL5 disorder. Last evaluated: 2024-08-21. Review status: criteria provided, single submitter. Criteria: McKnight et al. (Hum Mutat. 2022). Collection method: curation. Allele origin: germline. Inheritance: X-linked inheritance. Not counted in ClinVar's aggregate classification.
Comment: This variant has been collected from RettBASE and curated to current modified ACMG/AMP criteria. Based on the classification scheme defined by the ClinGen Rett/Angelman-like Expert Panel for Rett/AS-like Disorders Specifications to the ACMG/AMP Variant Interpretation Guidelines VCEP 3.0, this variant is classified as pathogenic. At least the following criteria are met: Has been observed in at least 2 individuals with phenotypes consistent with CDKL5 disorder (PS4_Supporting). PMID23583054 ClinVar Variation ID: 143822 This variant is absent from gnomAD v4 (PM2_Supporting). Predicted to result in loss of function, and LOF is a known mechanism of disease (PVS1).

Labcorp Genetics (formerly Invitae), Labcorp
Classification: Pathogenic for Developmental and epileptic encephalopathy, 2; Angelman syndrome-like. Last evaluated: 2023-10-28. Review status: criteria provided, single submitter. Criteria: Invitae Variant Classification Sherloc (09022015). Collection method: clinical testing. Allele origin: germline. Not counted in ClinVar's aggregate classification.
Comment: This sequence change creates a premature translational stop signal (p.Tyr171*) in the CDKL5 gene. It is expected to result in an absent or disrupted protein product. Loss-of-function variants in CDKL5 are known to be pathogenic (PMID: 22872100). This variant is not present in population databases (gnomAD no frequency). This premature translational stop signal has been observed in individual(s) with clinical features of CDKL5-related conditions (PMID: 23583054, 29455050). ClinVar contains an entry for this variant (Variation ID: 143822). Algorithms developed to predict the effect of sequence changes on RNA splicing suggest that this variant may create or strengthen a splice site. For these reasons, this variant has been classified as Pathogenic.

GeneDx
Classification: Pathogenic. Last evaluated: 2017-03-03. Review status: criteria provided, single submitter. Criteria: GeneDx Variant Classification (06012015). Collection method: clinical testing. Allele origin: germline. Affected: yes. Not counted in ClinVar's aggregate classification.
Comment: This variant is not observed in large population cohorts (Lek et al.,2016; 1000 Genomes Consortium et al., 2015; Exome Variant Server). We interpretY171X as a pathogenic variant.

Genetic Services Laboratory, University of Chicago
Classification: Pathogenic for Epileptic encephalopathy, early infantile, 2. Last evaluated: 2013-02-08. Review status: criteria provided, single submitter. Criteria: ACMG Guidelines, 2007. Collection method: clinical testing. Allele origin: germline. Inheritance: X-linked inheritance. Affected: yes. Not counted in ClinVar's aggregate classification.

RettBASE
Classification: Pathogenic for Epileptic encephalopathy, early infantile, 2. Last evaluated: 2014-03-13. Review status: no assertion criteria provided. Collection method: curation. Allele origin: de novo. Affected: yes. Observed: 1 variant allele. Not counted in ClinVar's aggregate classification.
Comment: Early truncation, partial loss the phophorylation site

Dr. Peter K. Rogan Lab, Western University
No classification provided (evidence only). Condition: Thyroid cancer, nonmedullary, 1. Review status: no classification provided. Collection method: in vitro. Allele origin: not applicable. Functional consequence: retained intron. Not counted in ClinVar's aggregate classification.

Literature cited by the submitters: PubMed 23583054 (cited by 3 submitters); PubMed 22872100 (cited by Labcorp Genetics (formerly Invitae), Labcorp); PubMed 29455050 (cited by Labcorp Genetics (formerly Invitae), Labcorp).